The following is an entry in ClinVar:

NM_014423.4(AFF4):c.2324G>C (p.Arg775Pro)

Gene: AFF4 (ALF transcription elongation factor 4; minus strand). Cytogenetic location: 5q31.1.
Variant type: single nucleotide variant.
Coding change: c.2324G>C on transcript NM_014423.4 (MANE Select); coding-DNA position 2324, G replaced by C.
Protein change: p.Arg775Pro; replaces arginine 775 with proline.
Molecular consequence: missense variant.
Genome position (GRCh38, 1-based): chr5:132,893,102, C>G on the plus strand (G>C on the coding strand, the complement: AFF4 is on the minus strand). VCF-style: chr5-132893102-C-G. GRCh37 (hg19) VCF-style: chr5-132228794-C-G.
Other names: c.2324G>C (NM_014423.3); short protein forms R775P.
Identifiers: ClinVar variation 2438913 (VCV002438913.15), dbSNP rs201192755, ClinGen allele CA3408951.
Genomic context (GRCh38, chr5:132,893,102, plus strand): 5'-GATGGCTTATGGCCTGCTGAATTCTTGTCCTCCGTTTTGGGTTTCTTGCTCTCACTGGCT[C>G]GGTTATCATCTTCATTCTAGATGAAAAATAGAAACCGTGGTCTGATTTTTATTCAACTAA-3'
Protein context (NP_055238.1, residues 765-785): KRKHKNEDDN[Arg775Pro]ASESKKPKTE

ClinVar aggregate classification (germline): Uncertain significance. Review status: criteria provided, multiple submitters, no conflicts (2 of 4 stars). 4 submissions from 4 submitters: Uncertain significance (4). Last evaluated 2025-10-23.

Conditions:
Cognitive impairment - coarse facies - heart defects - obesity - pulmonary involvement - short stature - skeletal dysplasia syndrome. Also called: AFF4-Related CHOPS Syndrome; COGNITIVE IMPAIRMENT, COARSE FACIES, HEART DEFECTS, OBESITY, PULMONARY INVOLVEMENT, SHORT STATURE, AND SKELETAL DYSPLASIA; Chops syndrome. Identifiers: Orphanet 444077, MedGen C4085597, MONDO:0014609, OMIM 616368.
Primary dilated cardiomyopathy (DCM). Also called: Dilated Cardiomyopathy. Identifiers: Orphanet 217604, MedGen C0007193, MeSH D002311, MONDO:0005021, HP:0001644. Inheritance: Various modes of inheritance.
AFF4-related disorder. Also called: AFF4-related condition.

Allele frequency attached by ClinVar (database versions not stated): ExAC 0.00007; 1000 Genomes Project 30x 0.00016; 1000 Genomes Project 0.00020.
gnomAD v4.1: 49 of 1,613,958 alleles (0.003%); highest among the groups gnomAD compares: South Asian, 0.046%; no homozygotes.

Submissions (4):

PreventionGenetics, part of Exact Sciences
Classification: Uncertain significance for AFF4-related condition. Last evaluated: 2025-10-23. Review status: criteria provided, single submitter. Criteria: ACMG Guidelines, 2015. Collection method: clinical testing. Allele origin: germline.
Comment: The AFF4 c.2324G>C variant is predicted to result in the amino acid substitution p.Arg775Pro. To our knowledge, this variant has not been reported in the literature. This variant is reported in 0.042% of alleles in individuals of South Asian descent in gnomAD, which is likely too common for an undocumented disease-causing variant. Although we suspect that this variant may be benign, at this time, the clinical significance of this variant is uncertain due to the absence of conclusive functional and genetic evidence.

Labcorp Genetics (formerly Invitae), Labcorp
Classification: Uncertain significance for Cognitive impairment - coarse facies - heart defects - obesity - pulmonary involvement - short stature - skeletal dysplasia syndrome. Last evaluated: 2025-09-09. Review status: criteria provided, single submitter. Criteria: Invitae Variant Classification Sherloc (09022015). Collection method: clinical testing. Allele origin: germline.
Comment: This sequence change replaces arginine, which is basic and polar, with proline, which is neutral and non-polar, at codon 775 of the AFF4 protein (p.Arg775Pro). This variant is present in population databases (rs201192755, gnomAD 0.04%), and has an allele count higher than expected for a pathogenic variant. This variant has not been reported in the literature in individuals affected with AFF4-related conditions. ClinVar contains an entry for this variant (Variation ID: 2438913). Invitae Evidence Modeling of protein sequence and biophysical properties (such as structural, functional, and spatial information, amino acid conservation, physicochemical variation, residue mobility, and thermodynamic stability) indicates that this missense variant is not expected to disrupt AFF4 protein function with a negative predictive value of 80%. In summary, the available evidence is currently insufficient to determine the role of this variant in disease. Therefore, it has been classified as a Variant of Uncertain Significance.

Clinical Center for Gene Diagnosis and Therapy, Department of Cardiovascular Surgery, The Second Xiangya Hospital of Central South University
Classification: Uncertain significance for Primary dilated cardiomyopathy. Last evaluated: 2023-06-01. Review status: criteria provided, single submitter. Criteria: ACMG Guidelines, 2015. Collection method: clinical testing. Allele origin: germline. Affected: yes.

Revvity Omics, Revvity
Classification: Uncertain significance for Cognitive impairment - coarse facies - heart defects - obesity - pulmonary involvement - short stature - skeletal dysplasia syndrome. Last evaluated: 2019-10-25. Review status: criteria provided, single submitter. Criteria: ACMG Guidelines, 2015. Collection method: clinical testing. Allele origin: germline.